The following is an entry in ClinVar:

NM_004656.4(BAP1):c.1323G>A (p.Gln441=)

Gene: BAP1 (BRCA1 associated deubiquitinase 1; minus strand). Cytogenetic location: 3p21.1.
Variant type: single nucleotide variant.
Coding change: c.1323G>A on transcript NM_004656.4 (MANE Select); coding-DNA position 1323, G replaced by A.
Protein change: p.Gln441=; no amino-acid change (glutamine 441 retained).
Molecular consequence: synonymous variant.
Genome position (GRCh38, 1-based): chr3:52,403,822, C>T on the plus strand (G>A on the coding strand, the complement: BAP1 is on the minus strand). VCF-style: chr3-52403822-C-T. GRCh37 (hg19) VCF-style: chr3-52437838-C-T.
Other names: c.1323G>A (LRG_529t1).
Identifiers: ClinVar variation 485274 (VCV000485274.43), dbSNP rs749372454, ClinGen allele CA2436828.

ClinVar aggregate classification (germline): Benign/Likely benign. Review status: criteria provided, multiple submitters, no conflicts (2 of 4 stars). 6 submissions from 6 submitters: Benign (1); Likely benign (5). Last evaluated 2026-01-07.

Conditions:
Hereditary cancer-predisposing syndrome. Also called: Hereditary neoplastic syndrome; Neoplastic Syndromes, Hereditary; Hereditary Cancer Syndrome; Tumor predisposition. Identifiers: Orphanet 140162, MedGen C0027672, MeSH D009386, MONDO:0015356.
BAP1-related tumor predisposition syndrome (TPDS1). Also called: BAP1 tumor predisposition syndrome; COMMON Syndrome; TUMOR PREDISPOSITION SYNDROME 1; Tumor susceptibility linked to germline BAP1 mutations. Identifiers: Orphanet 289539, MedGen C3280492, MONDO:0013692, OMIM 614327.

Allele frequency attached by ClinVar (database versions not stated): ExAC 0.00001; gnomAD 0.00001; gnomAD exomes 0.00001; TOPMed 0.00001.

Submissions (6):

Labcorp Genetics (formerly Invitae), Labcorp
Classification: Likely benign for BAP1-related tumor predisposition syndrome. Last evaluated: 2026-01-07. Review status: criteria provided, single submitter. Criteria: Invitae Variant Classification Sherloc (09022015). Collection method: clinical testing. Allele origin: germline.

CeGaT Center for Human Genetics Tuebingen
Classification: Likely benign. Last evaluated: 2025-10-01. Review status: criteria provided, single submitter. Criteria: CeGaT Center For Human Genetics Tuebingen Variant Classification Criteria Version 2. Collection method: clinical testing. Allele origin: germline. Affected: yes. Observed: 2 variant alleles.
Comment: BAP1: BP4, BP7

Myriad Genetics, Inc.
Classification: Benign for BAP1-related tumor predisposition syndrome. Last evaluated: 2024-07-16. Review status: criteria provided, single submitter. Criteria: Myriad Autosomal Dominant, Autosomal Recessive and X-Linked Classification Criteria (2023). Collection method: clinical testing. Allele origin: unknown.
Comment: This variant is considered benign. This variant is a silent/synonymous amino acid change and it is not expected to impact splicing.

Department of Pathology and Laboratory Medicine, Sinai Health System
Classification: Likely benign for BAP1-related tumor predisposition syndrome. Last evaluated: 2022-06-16. Review status: criteria provided, single submitter. Criteria: ACMG Guidelines, 2015. Collection method: clinical testing. Allele origin: germline. Affected: no.

Color Diagnostics, LLC DBA Color Health
Classification: Likely benign for Hereditary cancer-predisposing syndrome. Last evaluated: 2017-12-21. Review status: criteria provided, single submitter. Criteria: ACMG Guidelines, 2015. Collection method: clinical testing. Allele origin: germline.

Ambry Genetics
Classification: Likely benign for Hereditary cancer-predisposing syndrome. Last evaluated: 2016-03-07. Review status: criteria provided, single submitter. Criteria: Ambry Variant Classification Scheme 2023. Collection method: clinical testing. Allele origin: germline.